The following is an entry in ClinVar:

ClinVar aggregate classification (germline): Uncertain significance (1 of 4 stars; one submission).

Conditions:
VPS13B-related disorder. Also called: VPS13B-related condition.

gnomAD v4.1: 1 of 1,613,944 alleles (0.000062%); highest among the groups gnomAD compares: Non-Finnish European, 0.000085%; no homozygotes.

Submission:

PreventionGenetics, part of Exact Sciences
Classification: Uncertain significance for VPS13B-related condition. Last evaluated: 2026-07-02. Review status: criteria provided, single submitter. Criteria: ACMG Guidelines, 2015. Collection method: clinical testing. Allele origin: germline.
Comment: The VPS13B c.8097+6T>C variant is predicted to interfere with splicing. To our knowledge, this variant has not been reported in the literature or in a large population database (gnomAD), indicating this variant is rare. At this time, the clinical significance of this variant is uncertain due to the absence of conclusive functional and genetic evidence.

NM_152564.5(VPS13B):c.8097+6T>C

Gene: VPS13B (vacuolar protein sorting 13 homolog B; plus strand). Cytogenetic location: 8q22.2.
Variant type: single nucleotide variant.
Coding change: c.8097+6T>C on transcript NM_152564.5 (MANE Select); 6 bases into the intron after coding-DNA position 8097, T replaced by C.
Molecular consequence: intron variant.
Genome position (GRCh38, 1-based): chr8:99,809,536, T>C. VCF-style: chr8-99809536-T-C. GRCh37 (hg19) VCF-style: chr8-100821764-T-C.
Other names: c.8172+6T>C (NM_017890.5).
Identifiers: ClinVar variation 4996613 (VCV004996613.1).